The following is an entry in ClinVar:

NM_001384732.1(CPLANE1):c.8580C>T (p.Ala2860=)

Gene: CPLANE1 (ciliogenesis and planar polarity effector complex subunit 1; minus strand). Cytogenetic location: 5p13.2.
Variant type: single nucleotide variant.
Coding change: c.8580C>T on transcript NM_001384732.1 (MANE Select); coding-DNA position 8580, C replaced by T.
Protein change: p.Ala2860=; no amino-acid change (alanine 2860 retained).
Molecular consequence: synonymous variant.
Genome position (GRCh38, 1-based): chr5:37,142,362, G>A on the plus strand (C>T on the coding strand, the complement: CPLANE1 is on the minus strand). VCF-style: chr5-37142362-G-A. GRCh37 (hg19) VCF-style: chr5-37142464-G-A.
Other names: c.8418C>T, p.Ala2806= (NM_023073.4).
Identifiers: ClinVar variation 904433 (VCV000904433.16), dbSNP rs145347771, ClinGen allele CA3237748.
Genomic context (GRCh38, chr5:37,142,362, plus strand): 5'-AACAATACCAGGAGAAGTAGTATTCTGATCACTGGAACTGGAAAGGCTGACAGCTGAATC[G>A]GCAGTAGGAAACACACAGGTTTTCTGACCAGAATAATTTTCTGTTATTGAAAATTCAGGT-3'
Protein context (NP_001371661.1, residues 2850-2870): SGQKTCVFPT[Ala2860=]DSAVSLSSSS

ClinVar aggregate classification (germline): Conflicting classifications of pathogenicity. Review status: criteria provided, conflicting classifications (1 of 4 stars). 5 submissions from 5 submitters: Uncertain significance (1); Likely benign (4). Last evaluated 2026-01-17.

Conditions:
Joubert syndrome 17 (JBTS17). Identifiers: Orphanet 475, MedGen C3553264, MONDO:0013824, OMIM 614615.
CPLANE1-related disorder. Also called: CPLANE1-related condition.

Allele frequency attached by ClinVar (database versions not stated): gnomAD exomes 0.00004 and 0.00011; ExAC 0.00012; 1000 Genomes Project 0.00020; 1000 Genomes Project 30x 0.00031; ESP Exome Variant Server 0.00031; gnomAD 0.00043 and 0.00044; TOPMed 0.00049.
gnomAD v4.1: 135 of 1,610,358 alleles (0.0084%); highest among the groups gnomAD compares: African/African-American, 0.1%; 1 homozygote.

Submissions (5):

Labcorp Genetics (formerly Invitae), Labcorp
Classification: Likely benign. Last evaluated: 2026-01-17. Review status: criteria provided, single submitter. Criteria: Invitae Variant Classification Sherloc (09022015). Collection method: clinical testing. Allele origin: germline.

PreventionGenetics, part of Exact Sciences
Classification: Likely benign for CPLANE1-related condition. Last evaluated: 2025-04-11. Review status: criteria provided, single submitter. Criteria: ACMG Guidelines, 2015. Collection method: clinical testing. Allele origin: germline.
Comment: This variant is classified as likely benign based on ACMG/AMP sequence variant interpretation guidelines (Richards et al. 2015 PMID: 25741868, with internal and published modifications).

Blueprint Genetics
Classification: Likely benign. Last evaluated: 2024-05-24. Review status: criteria provided, single submitter. Criteria: ACMG Guidelines, 2015. Collection method: clinical testing. Allele origin: germline.

GeneDx
Classification: Likely benign. Last evaluated: 2018-11-21. Review status: criteria provided, single submitter. Criteria: GeneDx Variant Classification Process June 2021. Collection method: clinical testing. Allele origin: germline. Affected: yes.

Illumina Laboratory Services, Illumina
Classification: Uncertain significance for Joubert syndrome 17. Last evaluated: 2018-01-12. Review status: criteria provided, single submitter. Criteria: ICSL Variant Classification Criteria 13 December 2019. Collection method: clinical testing. Allele origin: germline.